The following is an entry in ClinVar:

ClinVar aggregate classification (germline): Uncertain significance (1 of 4 stars; one submission).

gnomAD v4.1: 1 of 1,614,130 alleles (0.000062%); highest among the groups gnomAD compares: South Asian, 0.0011%; no homozygotes.

Submission:

Ambry Genetics
Classification: Uncertain significance. Last evaluated: 2024-10-06. Review status: criteria provided, single submitter. Criteria: Ambry Variant Classification Scheme 2023. Collection method: clinical testing. Allele origin: germline.
Comment: The p.D360G variant (also known as c.1079A>G), located in coding exon 3 of the ALPK2 gene, results from an A to G substitution at nucleotide position 1079. The aspartic acid at codon 360 is replaced by glycine, an amino acid with similar properties. This amino acid position is conserved. In addition, this alteration is predicted to be tolerated by in silico analysis. Based on the available evidence, the clinical significance of this variant remains unclear.

NM_052947.4(ALPK2):c.1079A>G (p.Asp360Gly)

Genes: ALPK2 (alpha kinase 2; minus strand), LOC114803473 (ALPK2 eExon liver enhancer; plus strand). Cytogenetic location: 18q21.31.
Variant type: single nucleotide variant.
Coding change: c.1079A>G on transcript NM_052947.4 (MANE Select); coding-DNA position 1079, A replaced by G.
Protein change: p.Asp360Gly; replaces aspartic acid 360 with glycine.
Molecular consequence: missense variant.
Genome position (GRCh38, 1-based): chr18:58,579,697, T>C on the plus strand (A>G on the coding strand, the complement: ALPK2 is on the minus strand). VCF-style: chr18-58579697-T-C. GRCh37 (hg19) VCF-style: chr18-56246929-T-C.
Other names: short protein forms D360G.
Identifiers: ClinVar variation 3531646 (VCV003531646.1).
Genomic context (GRCh38, chr18:58,579,697, plus strand): 5'-CCACTGAGGAAATGCTCACACCCACCCAGGCAATGCTCACCGAATTCCATCTCTTCGTCA[T>C]CGCTTTCTAATAAAAAAACATGCTCAGTCCCCAGCAGGTTCCTTTGCCAAACTGCATTAG-3'
Protein context (NP_443179.3, residues 350-370): GTEHVFLLES[Asp360Gly]DEEMEFGEHC